The following is an entry in ClinVar:

ClinVar aggregate classification (germline): Uncertain significance (1 of 4 stars; one submission).

Conditions:
Glycogen storage disease type III (GSD3). Also called: Cori disease; FORBES DISEASE. Identifiers: Orphanet 366, MedGen C0017922, MONDO:0009291, OMIM 232400.

Allele frequency attached by ClinVar (database versions not stated): gnomAD exomes below 0.00001; gnomAD 0.00001; TOPMed 0.00001.
gnomAD v4.1: 2 of 1,613,268 alleles (0.00012%); highest among the groups gnomAD compares: Non-Finnish European, 0.000085%; no homozygotes.

Submission:

Labcorp Genetics (formerly Invitae), Labcorp
Classification: Uncertain significance for Glycogen storage disease type III. Last evaluated: 2022-01-26. Review status: criteria provided, single submitter. Criteria: Invitae Variant Classification Sherloc (09022015). Collection method: clinical testing. Allele origin: germline.
Comment: This sequence change replaces serine, which is neutral and polar, with glycine, which is neutral and non-polar, at codon 1266 of the AGL protein (p.Ser1266Gly). In summary, the available evidence is currently insufficient to determine the role of this variant in disease. Therefore, it has been classified as a Variant of Uncertain Significance. Algorithms developed to predict the effect of missense changes on protein structure and function (SIFT, PolyPhen-2, Align-GVGD) all suggest that this variant is likely to be disruptive. This variant has not been reported in the literature in individuals affected with AGL-related conditions. This variant is present in population databases (no rsID available, gnomAD 0.0009%).

NM_000642.3(AGL):c.3796A>G (p.Ser1266Gly)

Gene: AGL (amylo-alpha-1,6-glucosidase and 4-alpha-glucanotransferase; plus strand). Cytogenetic location: 1p21.2.
Variant type: single nucleotide variant.
Coding change: c.3796A>G on transcript NM_000642.3 (MANE Select); coding-DNA position 3796, A replaced by G.
Protein change: p.Ser1266Gly; replaces serine 1266 with glycine.
Molecular consequence: missense variant.
Genome position (GRCh38, 1-based): chr1:99,910,807, A>G. VCF-style: chr1-99910807-A-G. GRCh37 (hg19) VCF-style: chr1-100376363-A-G.
Other names: c.3796A>G, p.Ser1266Gly (NM_000028.3, NM_000643.3, NM_000644.3 and 1 more transcripts); c.3748A>G, p.Ser1250Gly (NM_000646.3); c.3775A>G, p.Ser1259Gly (NM_001425326.1); c.3595A>G, p.Ser1199Gly (NM_001425327.1); c.3592A>G, p.Ser1198Gly (NM_001425328.1); c.3457A>G, p.Ser1153Gly (NM_001425329.1); c.3418A>G, p.Ser1140Gly (NM_001425332.1); short protein forms S1250G, S1266G, S1140G, S1153G, S1198G, S1199G, S1259G.
Identifiers: ClinVar variation 2061712 (VCV002061712.4), dbSNP rs1030940072, ClinGen allele CA27553542.